The following is an entry in ClinVar:

NM_000215.4(JAK3):c.1639G>A (p.Glu547Lys)

Gene: JAK3 (Janus kinase 3; minus strand). Cytogenetic location: 19p13.11.
Variant type: single nucleotide variant.
Coding change: c.1639G>A on transcript NM_000215.4 (MANE Select); coding-DNA position 1639, G replaced by A.
Protein change: p.Glu547Lys; replaces glutamic acid 547 with lysine.
Molecular consequence: missense variant.
Genome position (GRCh38, 1-based): chr19:17,837,994, C>T on the plus strand (G>A on the coding strand, the complement: JAK3 is on the minus strand). VCF-style: chr19-17837994-C-T. GRCh37 (hg19) VCF-style: chr19-17948803-C-T.
Other names: short protein forms E547K.
Identifiers: ClinVar variation 2718497 (VCV002718497.3), dbSNP rs2514561623, ClinGen allele CA404769465.
Genomic context (GRCh38, chr19:17,837,994, plus strand): 5'-CCATGCAGTTCTTGTGCTTGGCATCCATGACCTTCAGCAGCACCTCTGTCTTTCGGGCCT[C>T]CCCATCCACCACCTCATGGCGACAGCCCCGGTAAATCTTGGTGAAGGACCCATGGCCCAG-3'
Protein context (NP_000206.2, residues 537-557): RGCRHEVVDG[Glu547Lys]ARKTEVLLKV

ClinVar aggregate classification (germline): Uncertain significance (1 of 4 stars; one submission).

Conditions:
T-B+ severe combined immunodeficiency due to JAK3 deficiency. Also called: SCID, autosomal recessive, T-negative/B-positive type; SCID, T CELL-NEGATIVE, B CELL-POSITIVE, NK CELL-NEGATIVE. Identifiers: Orphanet 35078, MedGen C1833275, MONDO:0010938, OMIM 600802.

Submission:

Labcorp Genetics (formerly Invitae), Labcorp
Classification: Uncertain significance for T-B+ severe combined immunodeficiency due to JAK3 deficiency. Last evaluated: 2024-10-15. Review status: criteria provided, single submitter. Criteria: Invitae Variant Classification Sherloc (09022015). Collection method: clinical testing. Allele origin: germline.
Comment: This sequence change replaces glutamic acid, which is acidic and polar, with lysine, which is basic and polar, at codon 547 of the JAK3 protein (p.Glu547Lys). This variant is not present in population databases (gnomAD no frequency). This variant has not been reported in the literature in individuals affected with JAK3-related conditions. Invitae Evidence Modeling of protein sequence and biophysical properties (such as structural, functional, and spatial information, amino acid conservation, physicochemical variation, residue mobility, and thermodynamic stability) has been performed for this missense variant. However, the output from this modeling did not meet the statistical confidence thresholds required to predict the impact of this variant on JAK3 protein function. In summary, the available evidence is currently insufficient to determine the role of this variant in disease. Therefore, it has been classified as a Variant of Uncertain Significance.